The following is an entry in ClinVar:

NM_002485.5(NBN):c.1334G>C (p.Arg445Thr)

Gene: NBN (nibrin; minus strand). Cytogenetic location: 8q21.3.
Variant type: single nucleotide variant.
Coding change: c.1334G>C on transcript NM_002485.5 (MANE Select); coding-DNA position 1334, G replaced by C.
Protein change: p.Arg445Thr; replaces arginine 445 with threonine.
Molecular consequence: missense variant.
Genome position (GRCh38, 1-based): chr8:89,955,346, C>G on the plus strand (G>C on the coding strand, the complement: NBN is on the minus strand). VCF-style: chr8-89955346-C-G. GRCh37 (hg19) VCF-style: chr8-90967574-C-G.
Other names: c.1088G>C, p.Arg363Thr (NM_001024688.3); short protein forms R445T, R363T.
Identifiers: ClinVar variation 483966 (VCV000483966.11), dbSNP rs1448696637, ClinGen allele CA371656089.

ClinVar aggregate classification (germline): Uncertain significance. Review status: criteria provided, multiple submitters, no conflicts (2 of 4 stars). 2 submissions from 2 submitters: Uncertain significance (2). Last evaluated 2022-06-16.

Conditions:
Hereditary cancer-predisposing syndrome. Also called: Hereditary neoplastic syndrome; Neoplastic Syndromes, Hereditary; Tumor predisposition; Hereditary Cancer Syndrome. Identifiers: Orphanet 140162, MedGen C0027672, MeSH D009386, MONDO:0015356.
Microcephaly, normal intelligence and immunodeficiency (NBS). Also called: IMMUNODEFICIENCY, MICROCEPHALY, AND CHROMOSOMAL INSTABILITY; SEEMANOVA SYNDROME II; Nijmegen breakage syndrome; Microcephaly with normal intelligence immunodeficiency and lymphoreticular malignancies; Nonsyndromal microcephaly autosomal recessive with normal intelligence; Seemanova syndrome 2. Identifiers: Orphanet 647, MedGen C0398791, MONDO:0009623, OMIM 251260.

Allele frequency attached by ClinVar (database versions not stated): gnomAD 0.00001.
gnomAD v4.1: 2 of 1,613,564 alleles (0.00012%); highest among the groups gnomAD compares: Non-Finnish European, 0.000085%; no homozygotes.

Submissions (2):

Labcorp Genetics (formerly Invitae), Labcorp
Classification: Uncertain significance for Microcephaly, normal intelligence and immunodeficiency. Last evaluated: 2022-06-16. Review status: criteria provided, single submitter. Criteria: Invitae Variant Classification Sherloc (09022015). Collection method: clinical testing. Allele origin: germline.
Comment: The frequency data for this variant in the population databases is considered unreliable, as metrics indicate poor data quality at this position in the gnomAD database. In summary, the available evidence is currently insufficient to determine the role of this variant in disease. Therefore, it has been classified as a Variant of Uncertain Significance. Algorithms developed to predict the effect of missense changes on protein structure and function (SIFT, PolyPhen-2, Align-GVGD) all suggest that this variant is likely to be tolerated. ClinVar contains an entry for this variant (Variation ID: 483966). This variant has not been reported in the literature in individuals affected with NBN-related conditions. This sequence change replaces arginine, which is basic and polar, with threonine, which is neutral and polar, at codon 445 of the NBN protein (p.Arg445Thr).

Ambry Genetics
Classification: Uncertain significance for Hereditary cancer-predisposing syndrome. Last evaluated: 2016-07-20. Review status: criteria provided, single submitter. Criteria: Ambry Variant Classification Scheme 2023. Collection method: clinical testing. Allele origin: germline.
Comment: The p.R445T variant (also known as c.1334G>C), located in coding exon 10 of the NBN gene, results from a G to C substitution at nucleotide position 1334. The arginine at codon 445 is replaced by threonine, an amino acid with similar properties. This variant was not reported in population based cohorts in the following databases: Database of Single Nucleotide Polymorphisms (dbSNP), NHLBI Exome Sequencing Project (ESP), and 1000 Genomes Project. In the ESP, this variant was not observed in 6503 samples (13006 alleles) with coverage at this position. To date, this alteration has been detected with an allele frequency of approximately 0.001% (greater than 175000 alleles tested) in our clinical cohort. This amino acid position is poorly conserved in available vertebrate species. In addition, this alteration is predicted to be tolerated by in silico analysis. Since supporting evidence is limited at this time, the clinical significance of this alteration remains unclear.